The following is an entry in ClinVar:

NM_203395.3(IYD):c.523_524insTT (p.Lys175fs)

Gene: IYD (iodotyrosine deiodinase; plus strand). Cytogenetic location: 6q25.1.
Variant type: Insertion.
Coding change: c.523_524insTT on transcript NM_203395.3 (MANE Select); coding-DNA positions 523 to 524, TT inserted.
Protein change: p.Lys175fs; shifts the reading frame from lysine 175.
Molecular consequence: frameshift variant. On other transcripts: non-coding transcript variant (1).
Genome position: GRCh38 VCF-style: chr6-150392497-A-ATT. GRCh37 (hg19) VCF-style: chr6-150713633-A-ATT.
Other names: c.523_524insTT, p.Lys175fs (NM_001164694.2, NM_001164695.2); c.277_278insTT, p.Lys93fs (NM_001318495.2); short protein forms K175fs, K93fs.
Identifiers: ClinVar variation 3593219 (VCV003593219.3).

ClinVar aggregate classification (germline): Likely pathogenic. Review status: criteria provided, multiple submitters, no conflicts (2 of 4 stars). 2 submissions from 2 submitters: Likely pathogenic (2). Last evaluated 2025-04-24.

Conditions:
Iodotyrosine deiodination defect (TDH4). Also called: DEIODINASE DEFICIENCY; Thyroid dyshormonogenesis 4; HYPOTHYROIDISM, CONGENITAL, DUE TO DYSHORMONOGENESIS, 4; IODOTYROSINE DEHALOGENASE DEFICIENCY; THYROID HORMONOGENESIS, GENETIC DEFECT IN, 4. Identifiers: Orphanet 95716, MedGen C0342195, MONDO:0010136, OMIM 274800.

Submissions (2):

Dasa
Classification: Likely pathogenic. Last evaluated: 2025-04-24. Review status: criteria provided, single submitter. Criteria: DASA Assertion Criteria. Collection method: clinical testing. Allele origin: germline.
Comment: NM_203395.3(IYD):c.523_524insTT (p.Lys175Ilefs*3) is a frameshift variant in IYD predicted to alter the reading frame and introduce a premature termination codon and is predicted to result in an absent or altered protein product. Loss of function is an established disease mechanism for IYD-associated disorders. Also, this variant is rare in population databases. Based on the currently available evidence, this variant is classified as likely pathogenic.

Fulgent Genetics
Classification: Likely pathogenic for Iodotyrosine deiodination defect. Last evaluated: 2024-04-24. Review status: criteria provided, single submitter. Criteria: ACMG Guidelines, 2015. Collection method: clinical testing. Allele origin: germline.